The following is an entry in ClinVar:

ClinVar aggregate classification (germline): Benign. Review status: criteria provided, multiple submitters, no conflicts (2 of 4 stars). 7 submissions from 6 submitters: Benign (7). Last evaluated 2026-02-04.

Conditions:
Xeroderma pigmentosum, group C (XPC). Also called: XERODERMA PIGMENTOSUM III; XP, GROUP C; XPC-Related Xeroderma Pigmentosum; Xeroderma pigmentosum, complementation group C. Identifiers: Orphanet 910, MedGen C2752147, MONDO:0010211, OMIM 278720.
Xeroderma pigmentosum group A (XPA). Also called: XPA-Related Xeroderma Pigmentosum; Xeroderma pigmentosum, complementation group A; XP, group A. Identifiers: Orphanet 910, MedGen C0268135, MONDO:0010210, OMIM 278700.

Allele frequency attached by ClinVar (database versions not stated): 1000 Genomes Project 0.02296; gnomAD 0.02300 and 0.02487; 1000 Genomes Project 30x 0.02436; ESP Exome Variant Server 0.02448; TOPMed 0.02589.
gnomAD v4.1: 6,931 of 1,612,958 alleles (0.43%); highest among the groups gnomAD compares: African/African-American, 8.2%; 284 homozygotes.

Submissions (14):

Labcorp Genetics (formerly Invitae), Labcorp
Classification: Benign. Last evaluated: 2026-02-04. Review status: criteria provided, single submitter. Criteria: Invitae Variant Classification Sherloc (09022015). Collection method: clinical testing. Allele origin: germline.

KCCC/NGS Laboratory, Kuwait Cancer Control Center
Classification: Benign for Xeroderma pigmentosum, group C. Last evaluated: 2025-02-01. Review status: criteria provided, single submitter. Criteria: ACMG Guidelines, 2015. Collection method: clinical testing. Allele origin: germline. Affected: no.

KCCC/NGS Laboratory, Kuwait Cancer Control Center
Classification: Benign for Xeroderma pigmentosum group A. Last evaluated: 2023-07-07. Review status: criteria provided, single submitter. Criteria: ACMG Guidelines, 2015. Collection method: clinical testing. Allele origin: germline. Affected: yes.

Genome-Nilou Lab
Classification: Benign for Xeroderma pigmentosum, group C. Last evaluated: 2021-12-05. Review status: criteria provided, single submitter. Criteria: ACMG Guidelines, 2015. Collection method: clinical testing. Allele origin: germline. Affected: no.

Women's Health and Genetics/Laboratory Corporation of America, LabCorp
Classification: Benign. Last evaluated: 2019-10-18. Review status: criteria provided, single submitter. Criteria: LabCorp Variant Classification Summary - May 2015. Collection method: clinical testing. Allele origin: germline.
Comment: Variant summary: XPC c.622-16C>G alters a non-conserved nucleotide located close to a canonical splice site and therefore could affect mRNA splicing, leading to a significantly altered protein sequence. 5/5 computational tools predict no significant impact on normal splicing. However, these predictions have yet to be confirmed by functional studies. The variant allele was found at a frequency of 0.0075 in 278338 control chromosomes, predominantly at a frequency of 0.081 within the African or African-American subpopulation in the gnomAD database, including 81 homozygotes. The observed variant frequency within African or African-American control individuals in the gnomAD database is approximately 57 fold of the estimated maximal expected allele frequency for a pathogenic variant in XPC causing Xeroderma pigmentosum phenotype (0.0014), strongly suggesting that the variant is a benign polymorphism found primarily in populations of African or African-American origin. To our knowledge, no occurrence of c.622-16C>G in individuals affected with Xeroderma pigmentosum and no experimental evidence demonstrating its impact on protein function have been reported. No clinical diagnostic laboratories have submitted clinical-significance assessments for this variant to ClinVar after 2014. Based on the evidence outlined above, the variant was classified as benign.

GeneDx
Classification: Benign. Last evaluated: 2019-05-20. Review status: criteria provided, single submitter. Criteria: GeneDx Variant Classification Process June 2021. Collection method: clinical testing. Allele origin: germline. Affected: yes.

PreventionGenetics, part of Exact Sciences
Classification: Benign. Review status: criteria provided, single submitter. Criteria: ACMG Guidelines, 2015. Collection method: clinical testing. Allele origin: germline.

Dr. Peter K. Rogan Lab, Western University
No classification provided (evidence only). Condition: Acute myeloid leukemia. Review status: no classification provided. Collection method: in vitro. Allele origin: not applicable. Functional consequence: retained intron. Not counted in ClinVar's aggregate classification.

Dr. Peter K. Rogan Lab, Western University
No classification provided (evidence only). Condition: Uterine corpus endometrial carcinoma. Review status: no classification provided. Collection method: in vitro. Allele origin: not applicable. Functional consequence: retained intron. Not counted in ClinVar's aggregate classification.

Dr. Peter K. Rogan Lab, Western University
No classification provided (evidence only). Condition: Sarcoma. Review status: no classification provided. Collection method: in vitro. Allele origin: not applicable. Functional consequence: retained intron. Not counted in ClinVar's aggregate classification.

Dr. Peter K. Rogan Lab, Western University
No classification provided (evidence only). Condition: Sarcoma. Review status: no classification provided. Collection method: in vitro. Allele origin: not applicable. Functional consequence: retained intron. Not counted in ClinVar's aggregate classification.

Dr. Peter K. Rogan Lab, Western University
No classification provided (evidence only). Condition: Sarcoma. Review status: no classification provided. Collection method: in vitro. Allele origin: not applicable. Functional consequence: skipped exon. Not counted in ClinVar's aggregate classification.

Dr. Peter K. Rogan Lab, Western University
No classification provided (evidence only). Condition: Thymoma. Review status: no classification provided. Collection method: in vitro. Allele origin: not applicable. Functional consequence: retained intron. Not counted in ClinVar's aggregate classification.

Dr. Peter K. Rogan Lab, Western University
No classification provided (evidence only). Condition: Gastric cancer. Review status: no classification provided. Collection method: in vitro. Allele origin: not applicable. Functional consequence: retained intron. Not counted in ClinVar's aggregate classification.

NM_004628.5(XPC):c.622-16C>G

Gene: XPC (XPC complex subunit, DNA damage recognition and repair factor; minus strand). Cytogenetic location: 3p25.1.
Variant type: single nucleotide variant.
Coding change: c.622-16C>G on transcript NM_004628.5 (MANE Select); 16 bases into the intron before coding-DNA position 622, C replaced by G.
Molecular consequence: intron variant.
Genome position (GRCh38, 1-based): chr3:14,165,601, G>C on the plus strand (C>G on the coding strand, the complement: XPC is on the minus strand). VCF-style: chr3-14165601-G-C. GRCh37 (hg19) VCF-style: chr3-14207101-G-C.
Other names: c.604-16C>G (NM_001354729.2); c.43-16C>G (NM_001354726.2); c.622-16C>G (NM_001354730.2, NM_001354727.2).
Identifiers: ClinVar variation 259473 (VCV000259473.12), dbSNP rs3731111, ClinGen allele CA2267630.